The following is an entry in ClinVar:

ClinVar aggregate classification (germline): Conflicting classifications of pathogenicity. Review status: criteria provided, conflicting classifications (1 of 4 stars). 3 submissions from 3 submitters: Likely pathogenic (2); Uncertain significance (1). Last evaluated 2025-09-10.

Conditions:
Hereditary cancer-predisposing syndrome. Also called: Neoplastic Syndromes, Hereditary; Hereditary Cancer Syndrome; Hereditary neoplastic syndrome; Tumor predisposition. Identifiers: Orphanet 140162, MedGen C0027672, MeSH D009386, MONDO:0015356.
Fanconi anemia complementation group O. Also called: RAD51C-Related Fanconi Anemia. Identifiers: Orphanet 84, MedGen C3150653, MONDO:0013248, OMIM 613390.
Breast-ovarian cancer, familial, susceptibility to, 3. Also called: RAD51C-Related Breast/Ovarian Cancer. Identifiers: Orphanet 145, MedGen C3150659, MONDO:0013253, OMIM 613399.

Allele frequency attached by ClinVar (database versions not stated): ExAC 0.00001.
gnomAD v4.1: 3 of 1,614,210 alleles (0.00019%); highest among the groups gnomAD compares: Admixed American, 0.0017%; no homozygotes.

Submissions (3):

Ambry Genetics
Classification: Likely pathogenic for Hereditary cancer-predisposing syndrome. Last evaluated: 2025-09-10. Review status: criteria provided, single submitter. Criteria: Ambry Variant Classification Scheme 2023. Collection method: clinical testing. Allele origin: germline.
Comment: The p.R168G variant (also known as c.502A>G), located in coding exon 3 of the RAD51C gene, results from an A to G substitution at nucleotide position 502. The arginine at codon 168 is replaced by glycine, an amino acid with dissimilar properties. In multiple studies testing RAD51C function, this alteration showed an abnormal read-out.(Hu C et al. Cancer Res, 2023 Aug;83:2557-2571; Olvera-Le&oacute;n R et al. Cell 2024 Oct;187(20):5719-5734.e19). This amino acid position is highly conserved in available vertebrate species. Based on internal structural analysis, this variant is anticipated to disrupt a region of known function (Greenhough LA et al. Nature 2023 Jul;619(7970):650-657). In addition, this alteration is predicted to be deleterious by in silico analysis. This variant is considered to be rare based on population cohorts in the Genome Aggregation Database (gnomAD). Based on the majority of available evidence to date, this variant is likely to be pathogenic.

Myriad Genetics, Inc.
Classification: Likely pathogenic for Breast-ovarian cancer, familial, susceptibility to, 3. Last evaluated: 2024-11-25. Review status: criteria provided, single submitter. Criteria: Myriad Autosomal Dominant, Autosomal Recessive and X-Linked Classification Criteria (2023). Collection method: clinical testing. Allele origin: unknown.
Comment: This variant is considered likely pathogenic. Functional studies indicate this variant impacts protein function [PMID: 39299233, 37253112]. This variant is expected to disrupt protein structure [Myriad internal data].

Labcorp Genetics (formerly Invitae), Labcorp
Classification: Uncertain significance for Fanconi anemia complementation group O. Last evaluated: 2023-12-28. Review status: criteria provided, single submitter. Criteria: Invitae Variant Classification Sherloc (09022015). Collection method: clinical testing. Allele origin: germline.
Comment: This sequence change replaces arginine, which is basic and polar, with glycine, which is neutral and non-polar, at codon 168 of the RAD51C protein (p.Arg168Gly). This variant is present in population databases (rs587781490, gnomAD 0.003%). This variant has not been reported in the literature in individuals affected with RAD51C-related conditions. ClinVar contains an entry for this variant (Variation ID: 825386). Advanced modeling of protein sequence and biophysical properties (such as structural, functional, and spatial information, amino acid conservation, physicochemical variation, residue mobility, and thermodynamic stability) performed at Invitae indicates that this missense variant is expected to disrupt RAD51C protein function with a positive predictive value of 80%. In summary, the available evidence is currently insufficient to determine the role of this variant in disease. Therefore, it has been classified as a Variant of Uncertain Significance.

Literature cited by the submitters: PubMed 37253112 (cited by Ambry Genetics and Myriad Genetics, Inc.); PubMed 39299233 (cited by Myriad Genetics, Inc.).

NM_058216.3(RAD51C):c.502A>G (p.Arg168Gly)

Gene: RAD51C (RAD51 paralog C; plus strand). Cytogenetic location: 17q22.
Variant type: single nucleotide variant.
Coding change: c.502A>G on transcript NM_058216.3 (MANE Select); coding-DNA position 502, A replaced by G.
Protein change: p.Arg168Gly; replaces arginine 168 with glycine.
Molecular consequence: missense variant.
Genome position (GRCh38, 1-based): chr17:58,696,790, A>G. VCF-style: chr17-58696790-A-G. GRCh37 (hg19) VCF-style: chr17-56774151-A-G.
Other names: short protein forms R168G.
Identifiers: ClinVar variation 825386 (VCV000825386.9), dbSNP rs587781490, ClinGen allele CA8677250.